The following is an entry in ClinVar:

ClinVar aggregate classification (germline): Uncertain significance (1 of 4 stars; one submission).

Conditions:
Hereditary cancer-predisposing syndrome. Also called: Tumor predisposition; Hereditary Cancer Syndrome; Hereditary neoplastic syndrome; Neoplastic Syndromes, Hereditary. Identifiers: Orphanet 140162, MedGen C0027672, MeSH D009386, MONDO:0015356.

Submission:

Ambry Genetics
Classification: Uncertain significance for Hereditary cancer-predisposing syndrome. Last evaluated: 2023-07-29. Review status: criteria provided, single submitter. Criteria: Ambry Variant Classification Scheme 2023. Collection method: clinical testing. Allele origin: germline.
Comment: The p.S2093T variant (also known as c.6277T>A), located in coding exon 45 of the POLE gene, results from a T to A substitution at nucleotide position 6277. The serine at codon 2093 is replaced by threonine, an amino acid with similar properties. This amino acid position is conserved. In addition, the in silico prediction for this alteration is inconclusive. Since supporting evidence is limited at this time, the clinical significance of this alteration remains unclear.

NM_006231.4(POLE):c.6277T>A (p.Ser2093Thr)

Gene: POLE (DNA polymerase epsilon, catalytic subunit; minus strand). Cytogenetic location: 12q24.33.
Variant type: single nucleotide variant.
Coding change: c.6277T>A on transcript NM_006231.4 (MANE Select); coding-DNA position 6277, T replaced by A.
Protein change: p.Ser2093Thr; replaces serine 2093 with threonine.
Molecular consequence: missense variant.
Genome position (GRCh38, 1-based): chr12:132,632,368, A>T on the plus strand (T>A on the coding strand, the complement: POLE is on the minus strand). VCF-style: chr12-132632368-A-T. GRCh37 (hg19) VCF-style: chr12-133208954-A-T.
Other names: short protein forms S2093T.
Identifiers: ClinVar variation 2625239 (VCV002625239.2), dbSNP rs2541853732, ClinGen allele CA387369424.